The following is an entry in ClinVar:

NM_000157.4(GBA1):c.1245C>T (p.Val415=)

Genes: GBA1 (glucosylceramidase beta 1; minus strand), LOC106627981 (GBA recombination region; plus strand). Cytogenetic location: 1q22.
Variant type: single nucleotide variant.
Coding change: c.1245C>T on transcript NM_000157.4 (MANE Select); coding-DNA position 1245, C replaced by T.
Protein change: p.Val415=; no amino-acid change (valine 415 retained).
Molecular consequence: synonymous variant.
Genome position (GRCh38, 1-based): chr1:155,235,824, G>A on the plus strand (C>T on the coding strand, the complement: GBA1 is on the minus strand). VCF-style: chr1-155235824-G-A. GRCh37 (hg19) VCF-style: chr1-155205615-G-A.
Other names: c.1245C>T, p.Val415= (NM_001005741.3, NM_001005742.3); c.984C>T, p.Val328= (NM_001171811.2); c.1098C>T, p.Val366= (NM_001171812.2).
Identifiers: ClinVar variation 3239257 (VCV003239257.19), dbSNP rs755952419.

ClinVar aggregate classification (germline): Likely benign (1 of 4 stars; one submission).

Allele frequency attached by ClinVar (database versions not stated): gnomAD exomes 0.00001; TOPMed 0.00001; ExAC 0.00002; gnomAD 0.00001.
gnomAD v4.1: 16 of 1,614,088 alleles (0.00099%); highest among the groups gnomAD compares: African/African-American, 0.0013%; no homozygotes.

Submission:

CeGaT Center for Human Genetics Tuebingen
Classification: Likely benign. Last evaluated: 2024-05-01. Review status: criteria provided, single submitter. Criteria: CeGaT Center For Human Genetics Tuebingen Variant Classification Criteria Version 2. Collection method: clinical testing. Allele origin: germline. Affected: yes. Observed: 1 variant allele.
Comment: GBA1: BP4, BP7